The following is an entry in ClinVar:

NM_001366385.1(CARD14):c.2267G>A (p.Cys756Tyr)

Genes: CARD14 (caspase recruitment domain family member 14; plus strand), SGSH (N-sulfoglucosamine sulfohydrolase; minus strand). Cytogenetic location: 17q25.3.
Variant type: single nucleotide variant.
Coding change: c.2267G>A on transcript NM_001366385.1 (MANE Select); coding-DNA position 2267, G replaced by A.
Protein change: p.Cys756Tyr; replaces cysteine 756 with tyrosine.
Molecular consequence: missense variant. On other transcripts: non-coding transcript variant (1).
Genome position (GRCh38, 1-based): chr17:80,203,869, G>A. VCF-style: chr17-80203869-G-A. GRCh37 (hg19) VCF-style: chr17-78177668-G-A.
Other names: c.2267G>A, p.Cys756Tyr (NM_024110.4); short protein forms C756Y.
Identifiers: ClinVar variation 458095 (VCV000458095.20), dbSNP rs34822755, ClinGen allele CA8817243.

ClinVar aggregate classification (germline): Benign/Likely benign. Review status: criteria provided, multiple submitters, no conflicts (2 of 4 stars). 6 submissions from 6 submitters: Benign (3); Likely benign (2). 1 of the submissions does not count toward it. Last evaluated 2026-01-28.

Conditions:
CARD14-related disorder. Also called: CARD14-related condition.
Autoinflammatory syndrome. Identifiers: Orphanet 93665, MedGen C3890737, MONDO:0019751.
Pityriasis rubra pilaris (PRP). Also called: Pityriasis rubra pilaris--familial type. Identifiers: Orphanet 2897, MedGen C0032027, MONDO:0100017, OMIM 173200, MONDO:0008251.
Psoriasis 2. Identifiers: MedGen C1864497, MONDO:0011269, OMIM 602723.

Allele frequency attached by ClinVar (database versions not stated): gnomAD exomes 0.00092 and 0.00237; ExAC 0.00596; 1000 Genomes Project 30x 0.00703; 1000 Genomes Project 0.00759; gnomAD 0.00942 and 0.01019; ESP Exome Variant Server 0.01008; TOPMed 0.01104.
gnomAD v4.1: 2,805 of 1,597,026 alleles (0.18%); highest among the groups gnomAD compares: African/African-American, 3.3%; 42 homozygotes.

Submissions (6):

Labcorp Genetics (formerly Invitae), Labcorp
Classification: Benign for Pityriasis rubra pilaris; Psoriasis 2. Last evaluated: 2026-01-28. Review status: criteria provided, single submitter. Criteria: Invitae Variant Classification Sherloc (09022015). Collection method: clinical testing. Allele origin: germline.

Women's Health and Genetics/Laboratory Corporation of America, LabCorp
Classification: Likely benign. Last evaluated: 2026-01-22. Review status: criteria provided, single submitter. Criteria: LabCorp Variant Classification Summary - May 2015. Collection method: clinical testing. Allele origin: germline.

Genome Diagnostics Laboratory, The Hospital for Sick Children
Classification: Benign for Autoinflammatory syndrome. Last evaluated: 2022-03-21. Review status: criteria provided, single submitter. Criteria: ACMG Guidelines, 2015. Collection method: clinical testing. Allele origin: germline. Affected: yes.

Fulgent Genetics
Classification: Likely benign for Pityriasis rubra pilaris; Psoriasis 2. Last evaluated: 2021-09-13. Review status: criteria provided, single submitter. Criteria: ACMG Guidelines, 2015. Collection method: clinical testing. Allele origin: unknown.

Breakthrough Genomics
Classification: Benign. Review status: criteria provided, single submitter. Criteria: ACMG Guidelines, 2015. Collection method: not provided. Allele origin: germline. Inheritance: Autosomal dominant inheritance. Affected: yes.

PreventionGenetics, part of Exact Sciences
Classification: Benign for CARD14-related condition. Last evaluated: 2019-04-01. Review status: no assertion criteria provided. Collection method: clinical testing. Allele origin: germline. Not counted in ClinVar's aggregate classification.
Comment: This variant is classified as benign based on ACMG/AMP sequence variant interpretation guidelines (Richards et al. 2015 PMID: 25741868, with internal and published modifications).